The following is an entry in ClinVar:

NM_032638.5(GATA2):c.1320G>A (p.Val440=)

Gene: GATA2 (GATA binding protein 2; minus strand). Cytogenetic location: 3q21.3.
Variant type: single nucleotide variant.
Coding change: c.1320G>A on transcript NM_032638.5 (MANE Select); coding-DNA position 1320, G replaced by A.
Protein change: p.Val440=; no amino-acid change (valine 440 retained).
Molecular consequence: synonymous variant.
Genome position (GRCh38, 1-based): chr3:128,481,142, C>T on the plus strand (G>A on the coding strand, the complement: GATA2 is on the minus strand). VCF-style: chr3-128481142-C-T. GRCh37 (hg19) VCF-style: chr3-128199985-C-T.
Other names: c.1320G>A, p.Val440= (NM_001145661.2); c.1278G>A, p.Val426= (NM_001145662.1); c.1320G>A (NM_001145661.1).
Identifiers: ClinVar variation 472443 (VCV000472443.13), dbSNP rs775080624, ClinGen allele CA2599801.

ClinVar aggregate classification (germline): Likely benign. Review status: criteria provided, multiple submitters, no conflicts (2 of 4 stars). 3 submissions from 3 submitters: Likely benign (3). Last evaluated 2026-06-25.

Conditions:
GATA2-related disorder. Also called: GATA2-Related Disorders; GATA2-related condition.
Inborn genetic diseases. Identifiers: MedGen C0950123, MeSH D030342.
Deafness-lymphedema-leukemia syndrome. Also called: Lymphedema, primary, with myelodysplasia; Emberger syndrome. Identifiers: Orphanet 3226, MedGen C3279664, MONDO:0013540, OMIM 614038.
Monocytopenia with susceptibility to infections. Also called: Dendritic cell, monocyte, B lymphocyte, and natural killer lymphocyte deficiency; IMMUNODEFICIENCY 21; GATA2 DEFICIENCY; MONOCYTOPENIA AND MYCOBACTERIAL INFECTION SYNDROME; MONOCYTOPENIA WITH SUSCEPTIBILITY TO MYCOBACTERIAL, FUNGAL, AND PAPILLOMAVIRUS INFECTIONS AND MYELODYSPLASIA; COMBINED IMMUNODEFICIENCY WITH SUSCEPTIBILITY TO MYCOBACTERIAL, VIRAL, AND FUNGAL INFECTIONS. Identifiers: Orphanet 228423, MedGen C3280030, MONDO:0013607, OMIM 614172.

Allele frequency attached by ClinVar (database versions not stated): gnomAD exomes 0.00001 and 0.00003; ExAC 0.00002; TOPMed 0.00002.
gnomAD v4.1: 8 of 1,614,178 alleles (0.0005%); highest among the groups gnomAD compares: Admixed American, 0.013%; no homozygotes.

Submissions (3):

PreventionGenetics, part of Exact Sciences
Classification: Likely benign for GATA2-related condition. Last evaluated: 2026-06-25. Review status: criteria provided, single submitter. Criteria: ACMG Guidelines, 2015. Collection method: clinical testing. Allele origin: germline.
Comment: This variant is classified as likely benign based on ACMG/AMP sequence variant interpretation guidelines (Richards et al. 2015 PMID: 25741868, with internal and published modifications).

Labcorp Genetics (formerly Invitae), Labcorp
Classification: Likely benign for Monocytopenia with susceptibility to infections; Deafness-lymphedema-leukemia syndrome. Last evaluated: 2025-12-15. Review status: criteria provided, single submitter. Criteria: Invitae Variant Classification Sherloc (09022015). Collection method: clinical testing. Allele origin: germline.

Ambry Genetics
Classification: Likely benign for Inborn genetic diseases. Last evaluated: 2024-08-21. Review status: criteria provided, single submitter. Criteria: Ambry Variant Classification Scheme 2023. Collection method: clinical testing. Allele origin: germline.